The following is an entry in ClinVar:

ClinVar aggregate classification (germline): Uncertain significance (1 of 4 stars; one submission).

Conditions:
GTP cyclohydrolase I deficiency. Identifiers: MedGen C0268467, MONDO:0100184.
Dystonia 5 (DRD). Also called: GTP Cyclohydrolase 1-Deficient Dopa-Responsive Dystonia; DYSTONIA, PROGRESSIVE, WITH DIURNAL VARIATION; DYSTONIA-PARKINSONISM WITH DIURNAL FLUCTUATION; Dystonia, DOPA-responsive, with or without hyperphenylalaninemia; DYT-GCH1. Identifiers: Orphanet 98808, MedGen C1851920, MONDO:0007495, OMIM 128230.

Submission:

Labcorp Genetics (formerly Invitae), Labcorp
Classification: Uncertain significance for GTP cyclohydrolase I deficiency; Dystonia 5. Last evaluated: 2021-09-09. Review status: criteria provided, single submitter. Criteria: Invitae Variant Classification Sherloc (09022015). Collection method: clinical testing. Allele origin: germline.
Comment: This variant is not present in population databases (ExAC no frequency). This sequence change replaces aspartic acid with asparagine at codon 123 of the GCH1 protein (p.Asp123Asn). The aspartic acid residue is highly conserved and there is a small physicochemical difference between aspartic acid and asparagine. This variant has not been reported in the literature in individuals affected with GCH1-related conditions. Algorithms developed to predict the effect of missense changes on protein structure and function are either unavailable or do not agree on the potential impact of this missense change (SIFT: "Deleterious"; PolyPhen-2: "Benign"; Align-GVGD: "Class C0"). In summary, the available evidence is currently insufficient to determine the role of this variant in disease. Therefore, it has been classified as a Variant of Uncertain Significance.

NM_000161.3(GCH1):c.367G>A (p.Asp123Asn)

Gene: GCH1 (GTP cyclohydrolase 1; minus strand). Cytogenetic location: 14q22.2.
Variant type: single nucleotide variant.
Coding change: c.367G>A on transcript NM_000161.3 (MANE Select); coding-DNA position 367, G replaced by A.
Protein change: p.Asp123Asn; replaces aspartic acid 123 with asparagine.
Molecular consequence: missense variant.
Genome position (GRCh38, 1-based): chr14:54,865,413, C>T on the plus strand (G>A on the coding strand, the complement: GCH1 is on the minus strand). VCF-style: chr14-54865413-C-T. GRCh37 (hg19) VCF-style: chr14-55332131-C-T.
Other names: c.367G>A, p.Asp123Asn (NM_001024024.2, NM_001024070.2, NM_001024071.2); short protein forms D123N.
Identifiers: ClinVar variation 1415516 (VCV001415516.6), dbSNP rs2140074143, ClinGen allele CA389790240.